The following is an entry in ClinVar:

ClinVar aggregate classification (germline): Pathogenic. Review status: criteria provided, single submitter (1 of 4 stars). 2 submissions from 2 submitters: Pathogenic (1). 1 of the submissions does not count toward it. Last evaluated 2024-06-07.

Conditions:
Mucopolysaccharidosis, MPS-II (MPS2). Also called: Mucopolysaccharidosis with skin involvement; Mucopolysaccharidosis type 2; Mucopolysaccharidosis Type II; SIDS deficiency; IDS deficiency; Sulfoiduronate sulfatase deficiency. Identifiers: Orphanet 580, Orphanet 79388, MedGen C0026705, MONDO:0010674, OMIM 309900.

Submissions (2):

Laboratory of Diagnosis and Therapy of Lysosomal Disorders, University of Padova
Classification: Pathogenic for Mucopolysaccharidosis, MPS-II. Last evaluated: 2024-06-07. Review status: criteria provided, single submitter. Criteria: ACMG Guidelines, 2015. Collection method: literature only. Allele origin: germline. Affected: yes. Observed: 3 variant alleles.
Comment: Absent from controls (or at low frequency) in gnomAD database (PM2_Moderate), Missense change at the same amino acid residue as a pathogenic variant (PM5_Moderate), Missense variant in a gene with a low rate of benign missense variation (PP2_Supporting), Multiple lines of computational evidence support a deleterious effect (PP3_Supporting), Patient’s phenotype or family history highly specific for the disease (PP4_Strong)

Classification method: ACMG Guidelines [PMID:25741868] with modifications

OMIM
Classification: Pathogenic for MUCOPOLYSACCHARIDOSIS, TYPE II. Last evaluated: 1992-07-01. Review status: no assertion criteria provided. Collection method: literature only. Allele origin: germline. Not counted in ClinVar's aggregate classification.

Literature cited by the submitters: PubMed 1639384 (cited by Laboratory of Diagnosis and Therapy of Lysosomal Disorders, University of Padova and OMIM); PubMed 8111411 (cited by Laboratory of Diagnosis and Therapy of Lysosomal Disorders, University of Padova); PubMed 7887413 (cited by Laboratory of Diagnosis and Therapy of Lysosomal Disorders, University of Padova).

NM_000202.8(IDS):c.1505G>C (p.Trp502Ser)

Gene: IDS (iduronate 2-sulfatase; minus strand). Cytogenetic location: Xq28.
Variant type: single nucleotide variant.
Coding change: c.1505G>C on transcript NM_000202.8 (MANE Select); coding-DNA position 1505, G replaced by C.
Protein change: p.Trp502Ser; replaces tryptophan 502 with serine.
Molecular consequence: missense variant.
Genome position (GRCh38, 1-based): chrX:149,482,894, C>G on the plus strand (G>C on the coding strand, the complement: IDS is on the minus strand). VCF-style: chrX-149482894-C-G. GRCh37 (hg19) VCF-style: chrX-148564425-C-G.
Other names: c.1235G>C, p.Trp412Ser (NM_001166550.4); short protein forms W502S, W412S.
Identifiers: ClinVar variation 10488 (VCV000010488.3), dbSNP rs199422228, ClinGen allele CA255270.